The following is an entry in ClinVar:

ClinVar aggregate classification (germline): Uncertain significance (1 of 4 stars; one submission).

gnomAD v4.1: 1 of 1,613,894 alleles (0.000062%); no homozygotes.

Submission:

Ambry Genetics
Classification: Uncertain significance. Last evaluated: 2022-09-20. Review status: criteria provided, single submitter. Criteria: Ambry Variant Classification Scheme 2023. Collection method: clinical testing. Allele origin: germline.
Comment: The p.E2049K variant (also known as c.6145G>A), located in coding exon 19 of the POLQ gene, results from a G to A substitution at nucleotide position 6145. The glutamic acid at codon 2049 is replaced by lysine, an amino acid with similar properties. This amino acid position is conserved. In addition, the in silico prediction for this alteration is inconclusive. Since supporting evidence is limited at this time, the clinical significance of this alteration remains unclear.

NM_199420.4(POLQ):c.6145G>A (p.Glu2049Lys)

Gene: POLQ (DNA polymerase theta; minus strand). Cytogenetic location: 3q13.33.
Variant type: single nucleotide variant.
Coding change: c.6145G>A on transcript NM_199420.4 (MANE Select); coding-DNA position 6145, G replaced by A.
Protein change: p.Glu2049Lys; replaces glutamic acid 2049 with lysine.
Molecular consequence: missense variant.
Genome position (GRCh38, 1-based): chr3:121,481,638, C>T on the plus strand (G>A on the coding strand, the complement: POLQ is on the minus strand). VCF-style: chr3-121481638-C-T. GRCh37 (hg19) VCF-style: chr3-121200485-C-T.
Other names: short protein forms E2049K.
Identifiers: ClinVar variation 1751855 (VCV001751855.2), dbSNP rs2546780308, ClinGen allele CA354087736.